The following is an entry in ClinVar:

NM_005121.3(MED13):c.749C>T (p.Ser250Phe)

Gene: MED13 (mediator complex subunit 13; minus strand). Cytogenetic location: 17q23.2.
Variant type: single nucleotide variant.
Coding change: c.749C>T on transcript NM_005121.3 (MANE Select); coding-DNA position 749, C replaced by T.
Protein change: p.Ser250Phe; replaces serine 250 with phenylalanine.
Molecular consequence: missense variant.
Genome position (GRCh38, 1-based): chr17:62,033,852, G>A on the plus strand (C>T on the coding strand, the complement: MED13 is on the minus strand). VCF-style: chr17-62033852-G-A. GRCh37 (hg19) VCF-style: chr17-60111213-G-A.
Other names: c.749C>T (NM_005121.2); short protein forms S250F.
Identifiers: ClinVar variation 1341935 (VCV001341935.3), dbSNP rs761981290, ClinGen allele CA8693243.
Genomic context (GRCh38, chr17:62,033,852, plus strand): 5'-AGAACTTCTACTGCAGCTAAAGAATCATCTTCCCAATCCATATCTTCCTGTTTTTCTTCA[G>A]ACATCTCCTTCAAGCAACATGAGATAGGATAGAACTGTTTCCATTCACCAATTAATTTTT-3'
Protein context (NP_005112.2, residues 240-260): YPISCCLKEM[Ser250Phe]EEKQEDMDWE

ClinVar aggregate classification (germline): Uncertain significance. Review status: criteria provided, multiple submitters, no conflicts (2 of 4 stars). 2 submissions from 2 submitters: Uncertain significance (2). Last evaluated 2023-01-06.

Conditions:
Inborn genetic diseases. Identifiers: MedGen C0950123, MeSH D030342.
Intellectual developmental disorder 61. Also called: INTELLECTUAL DEVELOPMENTAL DISORDER, AUTOSOMAL DOMINANT 61; MENTAL RETARDATION, AUTOSOMAL DOMINANT 61. Identifiers: MedGen C5231400, MONDO:0032485, OMIM 618009.

Allele frequency attached by ClinVar (database versions not stated): gnomAD 0.00002 and 0.00003; TOPMed 0.00005.

Submissions (2):

Ambry Genetics
Classification: Uncertain significance for Inborn genetic diseases. Last evaluated: 2023-01-06. Review status: criteria provided, single submitter. Criteria: Ambry Variant Classification Scheme 2023. Collection method: clinical testing. Allele origin: germline.

New York Genome Center
Classification: Uncertain significance for Intellectual developmental disorder 61. Last evaluated: 2020-06-18. Review status: criteria provided, single submitter. Criteria: NYGC Assertion Criteria 2020. Collection method: clinical testing. Allele origin: inherited. Observed: 1 heterozygote. Study: CSER-NYCKidSeq.
Comment: The inherited p.Ser250Phe variant identified in the MED13 gene has not been reported in affected individuals in the literature. The variant has 0.00002095 allele frequency in the gnomAD(v3) database (3 out of 143,232 heterozygous alleles) indicating it is a rare allele in the general population. The variant affects an evolutionarily conserved residue and in silico prediction tools provide conflicting interpretations about potential pathogenicity of this variant. Based on the available evidence, the inherited p.Ser250Phe variant identified in the MED13 gene is assessed as a variant of uncertain significance.